The following is an entry in ClinVar:

NM_001370466.1(NOD2):c.*8G>A

Genes: NOD2 (nucleotide binding oligomerization domain containing 2; plus strand), CYLD-AS1 (CYLD antisense RNA 1; minus strand). Cytogenetic location: 16q12.1.
Variant type: single nucleotide variant.
Coding change: c.*8G>A on transcript NM_001370466.1 (MANE Select); 8 bases downstream of the stop codon, G replaced by A.
Molecular consequence: 3 prime UTR variant. On other transcripts: non-coding transcript variant (1).
Genome position (GRCh38, 1-based): chr16:50,731,827, G>A. VCF-style: chr16-50731827-G-A. GRCh37 (hg19) VCF-style: chr16-50765738-G-A.
Other names: c.*8G>A (LRG_177t1, NM_001293557.2, NM_022162.3).
Identifiers: ClinVar variation 103114 (VCV000103114.8), dbSNP rs199475923, ClinGen allele CA230135.
Genomic context (GRCh38, chr16:50,731,827, plus strand): 5'-CTCTAGAGGAGGTTGACAAGCTCGGCTGCAGGGACACCAGACTCTTGCTTTGAAGTCTCC[G>A]GGAGGATGTTCGTCTCAGTTTGTTTGTGAGCAGGCTGTGAGTTTGGGCCCCAGAGGCTGG-3'

ClinVar aggregate classification (germline): Conflicting classifications of pathogenicity. Review status: criteria provided, conflicting classifications (1 of 4 stars). 3 submissions from 2 submitters: Uncertain significance (1); Benign (1). 1 of the submissions does not count toward it. Last evaluated 2018-01-12.

Conditions:
Inflammatory bowel disease 1 (IBD1). Also called: Inflammatory bowel disease 1, Crohn disease; INFLAMMATORY BOWEL DISEASE (CROHN DISEASE) 1. Identifiers: MedGen CN260071, MONDO:0009960, OMIM 266600.
Blau syndrome (BLAUS). Also called: ARTHROCUTANEOUVEAL GRANULOMATOSIS; GRANULOMATOSIS, FAMILIAL JUVENILE SYSTEMIC; GRANULOMATOSIS, FAMILIAL, BLAU TYPE; GRANULOMATOUS INFLAMMATORY ARTHRITIS, DERMATITIS, AND UVEITIS, FAMILIAL; JABS SYNDROME. Identifiers: Orphanet 90340, MedGen C5201146, MONDO:0008523, OMIM 186580.

Allele frequency attached by ClinVar (database versions not stated): gnomAD 0.00003 and 0.00005; TOPMed 0.00007; 1000 Genomes Project 30x 0.00031; 1000 Genomes Project 0.00040.
gnomAD v4.1: 57 of 1,609,228 alleles (0.0035%); highest among the groups gnomAD compares: East Asian, 0.031%; no homozygotes.

Submissions (3):

Illumina Laboratory Services, Illumina
Classification: Benign for Blau syndrome. Last evaluated: 2018-01-12. Review status: criteria provided, single submitter. Criteria: ICSL Variant Classification Criteria 13 December 2019. Collection method: clinical testing. Allele origin: germline.
Comment: This variant was observed in the ICSL laboratory as part of a predisposition screen in an ostensibly healthy population. It had not been previously curated by ICSL or reported in the Human Gene Mutation Database (HGMD: prior to June 1st, 2018), and was therefore a candidate for classification through an automated scoring system. Utilizing variant allele frequency, disease prevalence and penetrance estimates, and inheritance mode, an automated score was calculated to assess if this variant is too frequent to cause the disease. Based on the score and internal cut-off values, a variant classified as benign is not then subjected to further curation. The score for this variant resulted in a classification of benign for this disease.

Illumina Laboratory Services, Illumina
Classification: Uncertain significance for Inflammatory bowel disease 1. Last evaluated: 2018-01-12. Review status: criteria provided, single submitter. Criteria: ICSL Variant Classification Criteria 13 December 2019. Collection method: clinical testing. Allele origin: germline.

Human Evolutionary Genetics, Institut Pasteur
No classification provided. Review status: no classification provided. Collection method: not provided. Allele origin: germline. Not counted in ClinVar's aggregate classification.
ClinVar note: Converted during submission from untested to not provided.